The following is an entry in ClinVar:

ClinVar aggregate classification (germline): Likely benign. Review status: criteria provided, single submitter (1 of 4 stars). 2 submissions from 2 submitters: Likely benign (1). 1 of the submissions does not count toward it. Last evaluated 2022-11-01.

Conditions:
TUB-related disorder. Also called: TUB-related condition.

Allele frequency attached by ClinVar (database versions not stated): ExAC 0.00001; gnomAD exomes 0.00001 and 0.00002; gnomAD 0.00003 and 0.00004; TOPMed 0.00003; ESP Exome Variant Server 0.00008.
gnomAD v4.1: 37 of 1,613,936 alleles (0.0023%); highest among the groups gnomAD compares: Non-Finnish European, 0.0026%; no homozygotes.

Submissions (2):

Labcorp Genetics (formerly Invitae), Labcorp
Classification: Likely benign. Last evaluated: 2022-11-01. Review status: criteria provided, single submitter. Criteria: Invitae Variant Classification Sherloc (09022015). Collection method: clinical testing. Allele origin: germline.

PreventionGenetics, part of Exact Sciences
Classification: Likely benign for TUB-related condition. Last evaluated: 2021-10-07. Review status: no assertion criteria provided. Collection method: clinical testing. Allele origin: germline. Not counted in ClinVar's aggregate classification.
Comment: This variant is classified as likely benign based on ACMG/AMP sequence variant interpretation guidelines (Richards et al. 2015 PMID: 25741868, with internal and published modifications).

NM_177972.3(TUB):c.39-8C>A

Gene: TUB (TUB bipartite transcription factor; plus strand). Cytogenetic location: 11p15.4.
Variant type: single nucleotide variant.
Coding change: c.39-8C>A on transcript NM_177972.3 (MANE Select); 8 bases into the intron before coding-DNA position 39, C replaced by A.
Molecular consequence: intron variant.
Genome position (GRCh38, 1-based): chr11:8,089,602, C>A. VCF-style: chr11-8089602-C-A. GRCh37 (hg19) VCF-style: chr11-8111149-C-A.
Other names: c.204-8C>A (NM_003320.4, NM_003320.5).
Identifiers: ClinVar variation 1097536 (VCV001097536.10), dbSNP rs372377451, ClinGen allele CA5870926.